The following is an entry in ClinVar:

NM_033409.4(SLC52A3):c.600C>T (p.Pro200=)

Gene: SLC52A3 (solute carrier family 52 member 3; minus strand). Cytogenetic location: 20p13.
Variant type: single nucleotide variant.
Coding change: c.600C>T on transcript NM_033409.4 (MANE Select); coding-DNA position 600, C replaced by T.
Protein change: p.Pro200=; no amino-acid change (proline 200 retained).
Molecular consequence: synonymous variant.
Genome position (GRCh38, 1-based): chr20:763,971, G>A on the plus strand (C>T on the coding strand, the complement: SLC52A3 is on the minus strand). VCF-style: chr20-763971-G-A. GRCh37 (hg19) VCF-style: chr20-744615-G-A.
Other names: p.Pro200=; c.600C>T, p.Pro200= (NM_001370085.1, NM_001370086.1).
Identifiers: ClinVar variation 262236 (VCV000262236.19), dbSNP rs16992990, ClinGen allele CA9724717.

ClinVar aggregate classification (germline): Benign. Review status: criteria provided, multiple submitters, no conflicts (2 of 4 stars). 7 submissions from 7 submitters: Benign (7). Last evaluated 2026-02-02.

Conditions:
Brown-Vialetto-van Laere syndrome 1. Also called: BULBAR PALSY, PROGRESSIVE, WITH SENSORINEURAL DEAFNESS; PONTOBULBAR PALSY WITH DEAFNESS; BROWN-VIALETTO-VAN LAERE SYNDROME 1, MILD. Identifiers: Orphanet 572550, Orphanet 97229, MedGen C0796274, MONDO:0024537, OMIM 211530.
Progressive bulbar palsy of childhood. Also called: FAZIO-LONDE DISEASE; Childhood Progressive Bulbar Palsy. Identifiers: MedGen C0393540, MONDO:0100428, OMIM 211500.

Allele frequency attached by ClinVar (database versions not stated): gnomAD 0.00815; TOPMed 0.01042; 1000 Genomes Project 30x 0.02889; ESP Exome Variant Server 0.00739; 1000 Genomes Project 0.03115.
gnomAD v4.1: 13,662 of 1,598,728 alleles (0.85%); highest among the groups gnomAD compares: South Asian, 6.8%; 378 homozygotes.

Submissions (7):

Labcorp Genetics (formerly Invitae), Labcorp
Classification: Benign for Brown-Vialetto-van Laere syndrome 1. Last evaluated: 2026-02-02. Review status: criteria provided, single submitter. Criteria: Invitae Variant Classification Sherloc (09022015). Collection method: clinical testing. Allele origin: germline.

Mayo Clinic Laboratories, Mayo Clinic
Classification: Benign. Last evaluated: 2025-03-02. Review status: criteria provided, single submitter. Criteria: ACMG Guidelines, 2015. Collection method: clinical testing. Allele origin: germline. Observed: 16 variant alleles.

Fulgent Genetics
Classification: Benign for Progressive bulbar palsy of childhood; Brown-Vialetto-van Laere syndrome 1. Last evaluated: 2021-07-30. Review status: criteria provided, single submitter. Criteria: ACMG Guidelines, 2015. Collection method: clinical testing. Allele origin: unknown.

GeneDx
Classification: Benign. Last evaluated: 2018-08-12. Review status: criteria provided, single submitter. Criteria: GeneDx Variant Classification Process June 2021. Collection method: clinical testing. Allele origin: germline. Affected: yes.

Laboratory for Molecular Medicine, Mass General Brigham Personalized Medicine
Classification: Benign. Last evaluated: 2017-08-23. Review status: criteria provided, single submitter. Criteria: LMM Criteria. Collection method: clinical testing. Allele origin: germline. Observed: 4 variant alleles.
Comment: p.Pro200Pro in exon 3 of SLC52A3: This variant is not expected to have clinical significance because it does not alter an amino acid residue, is not located wit hin the splice consensus sequence, and has been identified in 8.23% (1024/12440) of South Asian chromosomes by the Exome Aggregation Consortium (ExAC; dbSNP rs16992990).

Breakthrough Genomics
Classification: Benign. Review status: criteria provided, single submitter. Criteria: ACMG Guidelines, 2015. Collection method: not provided. Allele origin: germline. Inheritance: Autosomal recessive inheritance. Affected: yes.

PreventionGenetics, part of Exact Sciences
Classification: Benign. Review status: criteria provided, single submitter. Criteria: ACMG Guidelines, 2015. Collection method: clinical testing. Allele origin: germline.